The following is an entry in ClinVar:

NM_024649.5(BBS1):c.1324C>T (p.Arg442Trp)

Genes: BBS1 (Bardet-Biedl syndrome 1; plus strand), ZDHHC24 (zDHHC palmitoyltransferase 24; minus strand). Cytogenetic location: 11q13.2.
Variant type: single nucleotide variant.
Coding change: c.1324C>T on transcript NM_024649.5 (MANE Select); coding-DNA position 1324, C replaced by T.
Protein change: p.Arg442Trp; replaces arginine 442 with tryptophan.
Molecular consequence: missense variant. On other transcripts: intron variant (1).
Genome position (GRCh38, 1-based): chr11:66,526,792, C>T. VCF-style: chr11-66526792-C-T. GRCh37 (hg19) VCF-style: chr11-66294263-C-T.
Other names: c.*21+144G>A (NM_001348571.2); short protein forms R442W.
Identifiers: ClinVar variation 4979763 (VCV004979763.1).

ClinVar aggregate classification (germline): Uncertain significance (1 of 4 stars; one submission).

Conditions:
BBS1-related disorder. Also called: BBS1-related condition.

gnomAD v4.1: 19 of 1,614,082 alleles (0.0012%); highest among the groups gnomAD compares: South Asian, 0.0055%; no homozygotes.

Submission:

PreventionGenetics, part of Exact Sciences
Classification: Uncertain significance for BBS1-related condition. Last evaluated: 2025-10-27. Review status: criteria provided, single submitter. Criteria: ACMG Guidelines, 2015. Collection method: clinical testing. Allele origin: germline.
Comment: The BBS1 c.1324C>T variant is predicted to result in the amino acid substitution p.Arg442Trp. To our knowledge, this variant has not been reported in the literature. This variant is reported in 0.0033% of alleles in individuals of South Asian descent in gnomAD. At this time, the clinical significance of this variant is uncertain due to the absence of conclusive functional and genetic evidence.